The following is an entry in ClinVar:

ClinVar aggregate classification (germline): Uncertain significance (0 of 4 stars; one submission).

Allele frequency attached by ClinVar (database versions not stated): gnomAD exomes below 0.00001.
gnomAD v4.1: 1 of 1,608,144 alleles (0.000062%); highest among the groups gnomAD compares: Non-Finnish European, 0.000085%; no homozygotes.

Submission:

Department of Pathology and Laboratory Medicine, Sinai Health System
Classification: Uncertain significance. Review status: no assertion criteria provided. Collection method: clinical testing. Allele origin: unknown. Affected: yes. Study: The Canadian Open Genetics Repository (COGR).
Comment: The POGZ p.His772Leu variant was not identified in the literature nor was it identified in dbSNP, ClinVar, Cosmic or LOVD 3.0. The variant was not identified in the following control databases: the 1000 Genomes Project, the NHLBI GO Exome Sequencing Project, the Exome Aggregation Consortium (August 8th 2016), or the Genome Aggregation Database (Feb 27, 2017). The p.His772 residue is conserved across mammals and other organisms, and four out of five computational analyses (PolyPhen-2, SIFT, BLOSUM, MutationTaster) suggest that the variant may impact the protein; however, this information is not predictive enough to assume pathogenicity. The variant occurs outside of the splicing consensus sequence and in silico or computational prediction software programs (SpliceSiteFinder, MaxEntScan, NNSPLICE, GeneSplicer) do not predict a difference in splicing. In summary, based on the above information the clinical significance of this variant cannot be determined with certainty at this time. This variant is classified as a variant of uncertain significance.

NM_015100.4(POGZ):c.2315A>T (p.His772Leu)

Gene: POGZ (pogo transposable element derived with ZNF domain; minus strand). Cytogenetic location: 1q21.3.
Variant type: single nucleotide variant.
Coding change: c.2315A>T on transcript NM_015100.4 (MANE Select); coding-DNA position 2315, A replaced by T.
Protein change: p.His772Leu; replaces histidine 772 with leucine.
Molecular consequence: missense variant.
Genome position (GRCh38, 1-based): chr1:151,408,160, T>A on the plus strand (A>T on the coding strand, the complement: POGZ is on the minus strand). VCF-style: chr1-151408160-T-A. GRCh37 (hg19) VCF-style: chr1-151380636-T-A.
Other names: c.2288A>T, p.His763Leu (NM_001194937.2); c.2129A>T, p.His710Leu (NM_001194938.2); c.2030A>T, p.His677Leu (NM_145796.4); c.2156A>T, p.His719Leu (NM_207171.2); short protein forms H677L, H710L, H719L, H763L, H772L.
Identifiers: ClinVar variation 1050503 (VCV001050503.1), dbSNP rs2102164770, ClinGen allele CA341955235.